The following is an entry in ClinVar:

ClinVar aggregate classification (germline): Uncertain significance (1 of 4 stars; one submission).

Submission:

GeneDx
Classification: Uncertain significance. Last evaluated: 2024-03-06. Review status: criteria provided, single submitter. Criteria: GeneDx Variant Classification Process June 2021. Collection method: clinical testing. Allele origin: germline. Affected: yes.
Comment: Not observed at significant frequency in large population cohorts (gnomAD); In silico analysis supports that this missense variant has a deleterious effect on protein structure/function; Has not been previously published as pathogenic or benign to our knowledge

NM_004522.3(KIF5C):c.793G>A (p.Val265Met)

Gene: KIF5C (kinesin family member 5C; plus strand). Cytogenetic location: 2q23.1.
Variant type: single nucleotide variant.
Coding change: c.793G>A on transcript NM_004522.3 (MANE Select); coding-DNA position 793, G replaced by A.
Protein change: p.Val265Met; replaces valine 265 with methionine.
Molecular consequence: missense variant. On other transcripts: non-coding transcript variant (1).
Genome position (GRCh38, 1-based): chr2:148,949,917, G>A. VCF-style: chr2-148949917-G-A. GRCh37 (hg19) VCF-style: chr2-149806431-G-A.
Other names: short protein forms V265M.
Identifiers: ClinVar variation 3373672 (VCV003373672.1).
Genomic context (GRCh38, chr2:148,949,917, plus strand): 5'-GAGGGAGCTGTTCTTGACGAAGCTAAAAATATCAATAAGTCTTTGTCTGCTCTTGGAAAT[G>A]TGATCTCTGCTTTGGCAGAAGGGACAGTAAGTGATCCTGCCCCCATCTATTAAGTAATAT-3'
Protein context (NP_004513.1, residues 255-275): INKSLSALGN[Val265Met]ISALAEGTKT